The following is an entry in ClinVar:

ClinVar aggregate classification (germline): Conflicting classifications of pathogenicity. Review status: criteria provided, conflicting classifications (1 of 4 stars). 5 submissions from 5 submitters: Likely pathogenic (2); Uncertain significance (3). Last evaluated 2026-06-17.

Conditions:
Glycogen storage disease, type V (GSD5). Also called: MCARDLE DISEASE; MUSCLE GLYCOGEN PHOSPHORYLASE DEFICIENCY; MYOPHOSPHORYLASE DEFICIENCY; PYGM DEFICIENCY; McArdle type glycogen storage disease. Identifiers: Orphanet 368, MedGen C0017924, MONDO:0009293, OMIM 232600.

Allele frequency attached by ClinVar (database versions not stated): TOPMed below 0.00001; gnomAD 0.00001; gnomAD exomes 0.00001.
gnomAD v4.1: 7 of 1,614,110 alleles (0.00043%); highest among the groups gnomAD compares: Non-Finnish European, 0.00059%; no homozygotes.

Submissions (5):

Myriad Genetics, Inc.
Classification: Uncertain significance for Glycogen storage disease, type V. Last evaluated: 2026-06-17. Review status: criteria provided, single submitter. Criteria: Myriad Autosomal Dominant, Autosomal Recessive and X-Linked Classification Criteria (2023). Collection method: clinical testing. Allele origin: unknown.
Comment: NM_005609.2(PYGM):c.107T>G(L36R) is a missense variant classified as a variant of uncertain significance in the context of glycogen storage disease, PYGM-related. L36R has been observed in cases with relevant disease (PMID: 37688281, 25740218, 32528171). Relevant functional assessments of this variant are not available in the literature. L36R has been observed in referenced population frequency databases. In summary, there is insufficient evidence to classify NM_005609.2(PYGM):c.107T>G(L36R) as pathogenic or benign. Please note: this variant was assessed in the context of healthy population screening.

Fulgent Genetics
Classification: Uncertain significance for Glycogen storage disease, type V. Last evaluated: 2024-05-28. Review status: criteria provided, single submitter. Criteria: ACMG Guidelines, 2015. Collection method: clinical testing. Allele origin: germline.

Laboratory of Medical Genetics, National & Kapodistrian University of Athens
Classification: Likely pathogenic for Glycogen storage disease, type V. Last evaluated: 2022-03-28. Review status: criteria provided, single submitter. Criteria: ACMG Guidelines, 2015. Collection method: clinical testing. Allele origin: germline. Affected: yes.
Comment: PM2, PP3, PP5

Labcorp Genetics (formerly Invitae), Labcorp
Classification: Uncertain significance for Glycogen storage disease, type V. Last evaluated: 2021-08-28. Review status: criteria provided, single submitter. Criteria: Invitae Variant Classification Sherloc (09022015). Collection method: clinical testing. Allele origin: germline.

Revvity Omics, Revvity
Classification: Likely pathogenic for Glycogen storage disease, type V. Last evaluated: 2019-10-28. Review status: criteria provided, single submitter. Criteria: ACMG Guidelines, 2015. Collection method: clinical testing. Allele origin: germline.

Literature cited by the submitters: PubMed 25740218 (cited by Myriad Genetics, Inc.); PubMed 32528171 (cited by Myriad Genetics, Inc.); PubMed 37688281 (cited by Myriad Genetics, Inc.).

NM_005609.4(PYGM):c.107T>G (p.Leu36Arg)

Gene: PYGM (glycogen phosphorylase, muscle associated; minus strand). Cytogenetic location: 11q13.1.
Variant type: single nucleotide variant.
Coding change: c.107T>G on transcript NM_005609.4 (MANE Select); coding-DNA position 107, T replaced by G.
Protein change: p.Leu36Arg; replaces leucine 36 with arginine.
Molecular consequence: missense variant.
Genome position (GRCh38, 1-based): chr11:64,759,792, A>C on the plus strand (T>G on the coding strand, the complement: PYGM is on the minus strand). VCF-style: chr11-64759792-A-C. GRCh37 (hg19) VCF-style: chr11-64527264-A-C.
Other names: c.107T>G, p.Leu36Arg (NM_001164716.1); short protein forms L36R.
Identifiers: ClinVar variation 936858 (VCV000936858.12), dbSNP rs1394188143, ClinGen allele CA381112838.